The following is an entry in ClinVar:

NM_001378183.1(PIEZO2):c.4460C>T (p.Ala1487Val)

Gene: PIEZO2 (piezo type mechanosensitive ion channel component 2; minus strand). Cytogenetic location: 18p11.22.
Variant type: single nucleotide variant.
Coding change: c.4460C>T on transcript NM_001378183.1 (MANE Select); coding-DNA position 4460, C replaced by T.
Protein change: p.Ala1487Val; replaces alanine 1487 with valine.
Molecular consequence: missense variant.
Genome position (GRCh38, 1-based): chr18:10,744,196, G>A on the plus strand (C>T on the coding strand, the complement: PIEZO2 is on the minus strand). VCF-style: chr18-10744196-G-A. GRCh37 (hg19) VCF-style: chr18-10744194-G-A.
Other names: c.4460C>T, p.Ala1487Val (NM_001410871.1); c.4385C>T, p.Ala1462Val (NM_022068.4); short protein forms A1462V, A1487V.
Identifiers: ClinVar variation 3376644 (VCV003376644.1).

ClinVar aggregate classification (germline): Uncertain significance (1 of 4 stars; one submission).

Conditions:
Gordon syndrome (DA3). Also called: Gordon's syndrome; ARTHROGRYPOSIS MULTIPLEX CONGENITA, DISTAL, TYPE IIA; CAMPTODACTYLY, CLEFT PALATE, AND CLUBFOOT. Identifiers: Orphanet 376, MedGen C0220666, MONDO:0007252, OMIM 114300.

Submission:

Victorian Clinical Genetics Services, Murdoch Childrens Research Institute
Classification: Uncertain significance for Gordon syndrome. Last evaluated: 2022-02-02. Review status: criteria provided, single submitter. Criteria: ACMG Guidelines, 2015. Collection method: clinical testing. Allele origin: germline. Inheritance: Autosomal dominant inheritance. Affected: yes.
Comment: Based on the classification scheme VCGS_Germline_v1.3.4, this variant is classified as VUS-3B. Following criteria are met: 0103 - Loss of function and gain of function are known mechanisms of disease in this gene and are associated with arthrogryposis. Loss of function has generally been shown to be caused by NMD variants whereas gain of function has generally been associated with missense variants clustered in the C-terminal (PMID: 30988732). (I) 0108 - This gene is associated with both recessive and dominant disease. This gene is known to be associated with both recessive (NMD variants) and dominant disease (missense variants) (PMID: 30988732). The phenotypes have been recently regarded as etiologically related (PMID: 24726473). (I) 0200 - Variant is predicted to result in a missense amino acid change from alanine to valine. (I) 0251 - This variant is heterozygous. (I) 0301 - Variant is absent from gnomAD (both v2 and v3). (SP) 0502 - Missense variant with conflicting in silico predictions and uninformative conservation. (I) 0600 - Variant is located in the annotated Piezo domain (DECIPHER). (I) 0705 - No comparable missense variants have previous evidence for pathogenicity. (I) 0807 - This variant has no previous evidence of pathogenicity. (I) 0905 - No published segregation evidence has been identified for this variant. (I) 1007 - No published functional evidence has been identified for this variant. (I) 1208 - Inheritance information for this variant is not currently available in this individual. (I) Legend: (SP) - Supporting pathogenic, (I) - Information, (SB) - Supporting benign

Literature cited by the submitters: PubMed 24726473; PubMed 30988732.